The following is an entry in ClinVar:

ClinVar aggregate classification (germline): Conflicting classifications of pathogenicity. Review status: criteria provided, conflicting classifications (1 of 4 stars). 6 submissions from 5 submitters: Uncertain significance (2); Benign (2). 2 of the submissions do not count toward it. Last evaluated 2024-12-24.

Conditions:
ROR2-related disorder. Also called: ROR2-related disorders; ROR2-related condition.
Autosomal recessive Robinow syndrome (RRS1). Also called: COSTOVERTEBRAL SEGMENTATION DEFECT WITH MESOMELIA; COVESDEM SYNDROME; ROBINOW SYNDROME, AUTOSOMAL RECESSIVE 1; ROR2-Related Robinow Syndrome. Identifiers: Orphanet 1507, Orphanet 97360, MedGen C5399974, MONDO:0009999, OMIM 268310.
Brachydactyly type B1 (BDB1). Identifiers: Orphanet 572385, Orphanet 93383, MedGen C1862112, MONDO:0007220, OMIM 113000.
Short stature. Identifiers: MedGen C0349588, HP:0004322.

Allele frequency attached by ClinVar (database versions not stated): gnomAD 0.00006 and 0.00012; TOPMed 0.00015; 1000 Genomes Project 30x 0.00094; 1000 Genomes Project 0.00100.
gnomAD v4.1: 256 of 1,613,260 alleles (0.016%); highest among the groups gnomAD compares: East Asian, 0.51%; 2 homozygotes.

Submissions (6):

Labcorp Genetics (formerly Invitae), Labcorp
Classification: Benign. Last evaluated: 2024-12-24. Review status: criteria provided, single submitter. Criteria: Invitae Variant Classification Sherloc (09022015). Collection method: clinical testing. Allele origin: germline.

Fulgent Genetics
Classification: Uncertain significance for Brachydactyly type B1; Autosomal recessive Robinow syndrome. Last evaluated: 2024-02-27. Review status: criteria provided, single submitter. Criteria: ACMG Guidelines, 2015. Collection method: clinical testing. Allele origin: germline.

Illumina Laboratory Services, Illumina
Classification: Uncertain significance for Autosomal recessive Robinow syndrome. Last evaluated: 2018-01-12. Review status: criteria provided, single submitter. Criteria: ICSL Variant Classification Criteria 13 December 2019. Collection method: clinical testing. Allele origin: germline.

Illumina Laboratory Services, Illumina
Classification: Benign for Brachydactyly type B1. Last evaluated: 2018-01-12. Review status: criteria provided, single submitter. Criteria: ICSL Variant Classification Criteria 13 December 2019. Collection method: clinical testing. Allele origin: germline.
Comment: This variant was observed in the ICSL laboratory as part of a predisposition screen in an ostensibly healthy population. It had not been previously curated by ICSL or reported in the Human Gene Mutation Database (HGMD: prior to June 1st, 2018), and was therefore a candidate for classification through an automated scoring system. Utilizing variant allele frequency, disease prevalence and penetrance estimates, and inheritance mode, an automated score was calculated to assess if this variant is too frequent to cause the disease. Based on the score and internal cut-off values, a variant classified as benign is not then subjected to further curation. The score for this variant resulted in a classification of benign for this disease.

PreventionGenetics, part of Exact Sciences
Classification: Likely benign for ROR2-related condition. Last evaluated: 2023-04-21. Review status: no assertion criteria provided. Collection method: clinical testing. Allele origin: germline. Not counted in ClinVar's aggregate classification.
Comment: This variant is classified as likely benign based on ACMG/AMP sequence variant interpretation guidelines (Richards et al. 2015 PMID: 25741868, with internal and published modifications).

Beijing Key Laboratory for Genetic Research of Skeletal Deformity, Peking Union Medical College Hospital
Classification: Uncertain significance for Short stature. Last evaluated: 2021-01-31. Review status: no assertion criteria provided. Collection method: research. Allele origin: unknown. Affected: yes. Not counted in ClinVar's aggregate classification.

NM_004560.4(ROR2):c.2212C>T (p.Arg738Cys)

Gene: ROR2 (ROR family WNT receptor 2; minus strand). Cytogenetic location: 9q22.31.
Variant type: single nucleotide variant.
Coding change: c.2212C>T on transcript NM_004560.4 (MANE Select); coding-DNA position 2212, C replaced by T.
Protein change: p.Arg738Cys; replaces arginine 738 with cysteine.
Molecular consequence: missense variant.
Genome position (GRCh38, 1-based): chr9:91,724,282, G>A on the plus strand (C>T on the coding strand, the complement: ROR2 is on the minus strand). VCF-style: chr9-91724282-G-A. GRCh37 (hg19) VCF-style: chr9-94486564-G-A.
Other names: short protein forms R738C.
Identifiers: ClinVar variation 367498 (VCV000367498.13), dbSNP rs56231927, ClinGen allele CA5120455.